The following is an entry in ClinVar:

ClinVar aggregate classification (germline): Uncertain significance (1 of 4 stars; one submission).

Conditions:
Atrial fibrillation, familial, 18 (ATFB18). Identifiers: MedGen C4310636, MONDO:0015001, OMIM 617280.

Allele frequency attached by ClinVar (database versions not stated): gnomAD 0.00001; TOPMed 0.00002.
gnomAD v4.1: 1 of 1,611,396 alleles (0.000062%); highest among the groups gnomAD compares: African/African-American, 0.0013%; no homozygotes.

Submission:

Labcorp Genetics (formerly Invitae), Labcorp
Classification: Uncertain significance for Atrial fibrillation, familial, 18. Last evaluated: 2022-12-15. Review status: criteria provided, single submitter. Criteria: Invitae Variant Classification Sherloc (09022015). Collection method: clinical testing. Allele origin: germline.
Comment: This sequence change falls in intron 5 of the MYL4 gene. It does not directly change the encoded amino acid sequence of the MYL4 protein. It affects a nucleotide within the consensus splice site. This variant is not present in population databases (gnomAD no frequency). This variant has not been reported in the literature in individuals affected with MYL4-related conditions. ClinVar contains an entry for this variant (Variation ID: 666089). Variants that disrupt the consensus splice site are a relatively common cause of aberrant splicing (PMID: 17576681, 9536098). Algorithms developed to predict the effect of sequence changes on RNA splicing suggest that this variant is not likely to affect RNA splicing. In summary, the available evidence is currently insufficient to determine the role of this variant in disease. Therefore, it has been classified as a Variant of Uncertain Significance.

Literature cited by the submitters: PubMed 17576681; PubMed 9536098.

NM_002476.2(MYL4):c.487+4T>C

Gene: MYL4 (myosin light chain 4; plus strand). Cytogenetic location: 17q21.32.
Variant type: single nucleotide variant.
Coding change: c.487+4T>C on transcript NM_002476.2 (MANE Select); 4 bases into the intron after coding-DNA position 487, T replaced by C.
Molecular consequence: intron variant.
Genome position (GRCh38, 1-based): chr17:47,221,859, T>C. VCF-style: chr17-47221859-T-C. GRCh37 (hg19) VCF-style: chr17-45299225-T-C.
Other names: c.487+4T>C (NM_001002841.2).
Identifiers: ClinVar variation 666089 (VCV000666089.8), dbSNP rs1443330356, ClinGen allele CA772534443.
Genomic context (GRCh38, chr17:47,221,859, plus strand): 5'-AGGAGAGCAATGGCACGGTCATGGGTGCTGAGCTTCGGCACGTCCTTGCCACCCTGGGTA[T>C]GCCAGCTGGGCAGAGATGAAGACCAAGTGGGAGGAATGGAGGGGTGGGAGGTGCCAAGGT-3'